The following is an entry in ClinVar:

ClinVar aggregate classification (germline): Likely benign. Review status: criteria provided, multiple submitters, no conflicts (2 of 4 stars). 4 submissions from 4 submitters: Likely benign (4). Last evaluated 2025-12-03.

Conditions:
NPHP4-related disorder. Also called: NPHP4-related disorders; NPHP4-related condition. Identifiers: MedGen CN239384.
Nephronophthisis. Also called: Juvenile Nephronophthisis. Identifiers: Orphanet 655, MedGen C0687120, MONDO:0019005, HP:0000090.

Allele frequency attached by ClinVar (database versions not stated): gnomAD below 0.00001 and 0.00001; TOPMed 0.00001; ExAC 0.00010; gnomAD exomes 0.00011.
gnomAD v4.1: 147 of 1,613,206 alleles (0.0091%); highest among the groups gnomAD compares: South Asian, 0.092%; 2 homozygotes.

Submissions (4):

PreventionGenetics, part of Exact Sciences
Classification: Likely benign for NPHP4-related condition. Last evaluated: 2025-12-03. Review status: criteria provided, single submitter. Criteria: ACMG Guidelines, 2015. Collection method: clinical testing. Allele origin: germline.
Comment: This variant is classified as likely benign based on ACMG/AMP sequence variant interpretation guidelines (Richards et al. 2015 PMID: 25741868, with internal and published modifications).

Labcorp Genetics (formerly Invitae), Labcorp
Classification: Likely benign for Nephronophthisis. Last evaluated: 2025-10-02. Review status: criteria provided, single submitter. Criteria: Invitae Variant Classification Sherloc (09022015). Collection method: clinical testing. Allele origin: germline.

Blueprint Genetics
Classification: Likely benign. Last evaluated: 2023-12-29. Review status: criteria provided, single submitter. Criteria: ACMG Guidelines, 2015. Collection method: clinical testing. Allele origin: germline.

CeGaT Center for Human Genetics Tuebingen
Classification: Likely benign. Last evaluated: 2022-03-01. Review status: criteria provided, single submitter. Criteria: CeGaT Center For Human Genetics Tuebingen Variant Classification Criteria Version 2. Collection method: clinical testing. Allele origin: germline. Affected: yes. Observed: 1 variant allele.
Comment: NPHP4: BP4, BP7

NM_015102.5(NPHP4):c.1344G>A (p.Ser448=)

Gene: NPHP4 (nephrocystin 4; minus strand). Cytogenetic location: 1p36.31.
Variant type: single nucleotide variant.
Coding change: c.1344G>A on transcript NM_015102.5 (MANE Select); coding-DNA position 1344, G replaced by A.
Protein change: p.Ser448=; no amino-acid change (serine 448 retained).
Molecular consequence: synonymous variant. On other transcripts: 5 prime UTR variant (2), non-coding transcript variant (1).
Genome position (GRCh38, 1-based): chr1:5,927,746, C>T on the plus strand (G>A on the coding strand, the complement: NPHP4 is on the minus strand). VCF-style: chr1-5927746-C-T. GRCh37 (hg19) VCF-style: chr1-5987806-C-T.
Other names: c.-23G>A (NM_001291593.2, NM_001291594.2).
Identifiers: ClinVar variation 705116 (VCV000705116.30), dbSNP rs765179963, ClinGen allele CA554544.